The following is an entry in ClinVar:

ClinVar aggregate classification (germline): Benign/Likely benign. Review status: criteria provided, multiple submitters, no conflicts (2 of 4 stars). 3 submissions from 3 submitters: Benign (2); Likely benign (1). Last evaluated 2025-09-19.

Conditions:
Hypohidrotic ectodermal dysplasia (HED). Identifiers: Orphanet 238468, MedGen C5848103, MONDO:0016535, HP:0007607.
Ectodermal dysplasia 10A, hypohidrotic/hair/nail type, autosomal dominant (ECTD10A). Also called: Ectodermal Dysplasia 3, Anhidrotic. Identifiers: Orphanet 1810, Orphanet 238468, MedGen C3888065, MONDO:0007509, OMIM 129490.
Autosomal recessive hypohidrotic ectodermal dysplasia syndrome. Also called: Autosomal recessive hypohidrotic ectodermal dysplasia. Identifiers: Orphanet 248, MedGen C0406702, MONDO:0016619.

Allele frequency attached by ClinVar (database versions not stated): gnomAD 0.00019 and 0.00046; TOPMed 0.00021; ESP Exome Variant Server 0.00031; gnomAD exomes 0.00077 and 0.00117; 1000 Genomes Project 30x 0.00125; ExAC 0.00128; 1000 Genomes Project 0.00140.
gnomAD v4.1: 1,190 of 1,614,132 alleles (0.074%); highest among the groups gnomAD compares: South Asian, 0.88%; 10 homozygotes.

Submissions (3):

Labcorp Genetics (formerly Invitae), Labcorp
Classification: Benign for Ectodermal dysplasia 10A, hypohidrotic/hair/nail type, autosomal dominant; Autosomal recessive hypohidrotic ectodermal dysplasia syndrome. Last evaluated: 2025-09-19. Review status: criteria provided, single submitter. Criteria: Invitae Variant Classification Sherloc (09022015). Collection method: clinical testing. Allele origin: germline.

Genomic Research Center, Shahid Beheshti University of Medical Sciences
Classification: Likely benign. Last evaluated: 2020-05-03. Review status: criteria provided, single submitter. Criteria: ACMG Guidelines, 2015. Collection method: clinical testing. Allele origin: unknown.

Illumina Laboratory Services, Illumina
Classification: Benign for Hypohidrotic ectodermal dysplasia. Last evaluated: 2018-01-12. Review status: criteria provided, single submitter. Criteria: ICSL Variant Classification Criteria 13 December 2019. Collection method: clinical testing. Allele origin: germline.
Comment: This variant was observed in the ICSL laboratory as part of a predisposition screen in an ostensibly healthy population. It had not been previously curated by ICSL or reported in the Human Gene Mutation Database (HGMD: prior to June 1st, 2018), and was therefore a candidate for classification through an automated scoring system. Utilizing variant allele frequency, disease prevalence and penetrance estimates, and inheritance mode, an automated score was calculated to assess if this variant is too frequent to cause the disease. Based on the score and internal cut-off values, a variant classified as benign is not then subjected to further curation. The score for this variant resulted in a classification of benign for this disease.

NM_022336.4(EDAR):c.207C>T (p.Tyr69=)

Genes: EDAR (ectodysplasin A receptor; minus strand), RANBP2 (RAN binding protein 2; plus strand). Cytogenetic location: 2q13.
Variant type: single nucleotide variant.
Coding change: c.207C>T on transcript NM_022336.4 (MANE Select); coding-DNA position 207, C replaced by T.
Protein change: p.Tyr69=; no amino-acid change (tyrosine 69 retained).
Molecular consequence: synonymous variant.
Genome position (GRCh38, 1-based): chr2:108,929,347, G>A on the plus strand (C>T on the coding strand, the complement: EDAR is on the minus strand). VCF-style: chr2-108929347-G-A. GRCh37 (hg19) VCF-style: chr2-109545803-G-A.
Identifiers: ClinVar variation 155866 (VCV000155866.11), dbSNP rs147059377, ClinGen allele CA249812.